The following is an entry in ClinVar:

NM_001105206.3(LAMA4):c.4666-277G>A

Gene: LAMA4 (laminin subunit alpha 4; minus strand). Cytogenetic location: 6q21.
Variant type: single nucleotide variant.
Coding change: c.4666-277G>A on transcript NM_001105206.3 (MANE Select); 277 bases into the intron before coding-DNA position 4666, G replaced by A.
Molecular consequence: intron variant.
Genome position (GRCh38, 1-based): chr6:112,119,588, C>T on the plus strand (G>A on the coding strand, the complement: LAMA4 is on the minus strand). VCF-style: chr6-112119588-C-T. GRCh37 (hg19) VCF-style: chr6-112440791-C-T.
Other names: c.4645-277G>A (NM_002290.5, NM_001105207.3).
Identifiers: ClinVar variation 683594 (VCV000683594.1), dbSNP rs73530792, ClinGen allele CA144882490.

ClinVar aggregate classification (germline): Benign (1 of 4 stars; one submission).

Allele frequency attached by ClinVar (database versions not stated): gnomAD 0.06391 and 0.06875; 1000 Genomes Project 0.06689; 1000 Genomes Project 30x 0.07230; TOPMed 0.07252.

Submission:

GeneDx
Classification: Benign. Last evaluated: 2018-06-19. Review status: criteria provided, single submitter. Criteria: GeneDx Variant Classification (06012015). Collection method: clinical testing. Allele origin: germline. Affected: yes.
Comment: This variant is considered likely benign or benign based on one or more of the following criteria: it is a conservative change, it occurs at a poorly conserved position in the protein, it is predicted to be benign by multiple in silico algorithms, and/or has population frequency not consistent with disease.